The following is an entry in ClinVar:

ClinVar aggregate classification (germline): Uncertain significance. Review status: criteria provided, multiple submitters, no conflicts (2 of 4 stars). 2 submissions from 2 submitters: Uncertain significance (2). Last evaluated 2021-09-23.

Conditions:
Hereditary cancer-predisposing syndrome. Also called: Tumor predisposition; Neoplastic Syndromes, Hereditary; Hereditary neoplastic syndrome; Hereditary Cancer Syndrome. Identifiers: Orphanet 140162, MedGen C0027672, MeSH D009386, MONDO:0015356.

Submissions (2):

Ambry Genetics
Classification: Uncertain significance for Hereditary cancer-predisposing syndrome. Last evaluated: 2021-09-23. Review status: criteria provided, single submitter. Criteria: Ambry Variant Classification Scheme 2023. Collection method: clinical testing. Allele origin: germline.
Comment: The p.S372T variant (also known as c.1114T>A), located in coding exon 10 of the CHEK2 gene, results from a T to A substitution at nucleotide position 1114. The serine at codon 372 is replaced by threonine, an amino acid with similar properties. This amino acid position is conserved. In addition, this alteration is predicted to be deleterious by in silico analysis. Since supporting evidence is limited at this time, the clinical significance of this alteration remains unclear.

Women's Health and Genetics/Laboratory Corporation of America, LabCorp
Classification: Uncertain significance. Last evaluated: 2017-09-12. Review status: criteria provided, single submitter. Criteria: LabCorp Variant Classification Summary - May 2015. Collection method: clinical testing. Allele origin: germline.
Comment: Variant summary: The CHEK2 c.1114T>A (p.Ser372Thr) variant involves the alteration of a conserved nucleotide, resulting in a missense change in the protein kinase domain (InterPro). 3/4 in silico tools predict a damaging outcome for this variant (SNPsandGO not captured due to low reliability index). This variant is absent in 118554 control chromosomes (ExAC). The variant of interest has not, to our knowledge, been reported in affected individuals via publications and/or reputable databases/clinical diagnostic laboratories, nor evaluated for functional impact by in vivo/vitro studies. Because of the absence of clinical information and the lack of functional studies, the variant is classified as a variant of uncertain significance (VUS) until additional information becomes available.

NM_007194.4(CHEK2):c.1114T>A (p.Ser372Thr)

Gene: CHEK2 (checkpoint kinase 2; minus strand). Cytogenetic location: 22q12.1.
Variant type: single nucleotide variant.
Coding change: c.1114T>A on transcript NM_007194.4 (MANE Select); coding-DNA position 1114, T replaced by A.
Protein change: p.Ser372Thr; replaces serine 372 with threonine.
Molecular consequence: missense variant.
Genome position (GRCh38, 1-based): chr22:28,695,855, A>T on the plus strand (T>A on the coding strand, the complement: CHEK2 is on the minus strand). VCF-style: chr22-28695855-A-T. GRCh37 (hg19) VCF-style: chr22-29091843-A-T.
Other names: c.1027T>A, p.Ser343Thr (NM_145862.3); c.1243T>A, p.Ser415Thr (NM_001005735.3); c.451T>A, p.Ser151Thr (NM_001257387.3); c.913T>A, p.Ser305Thr (NM_001349956.3); short protein forms S372T, S151T, S305T, S343T, S415T.
Identifiers: ClinVar variation 632770 (VCV000632770.3), dbSNP rs1555913901, ClinGen allele CA411097107.